The following is an entry in ClinVar:

ClinVar aggregate classification (germline): Uncertain significance (1 of 4 stars; one submission).

Conditions:
Pitt-Hopkins-like syndrome 2 (PTHSL2). Identifiers: Orphanet 221150, Orphanet 600663, MedGen C3280479, MONDO:0013690, OMIM 614325.

gnomAD v4.1: 2 of 1,544,538 alleles (0.00013%); highest among the groups gnomAD compares: East Asian, 0.0023%; no homozygotes.

Submission:

Labcorp Genetics (formerly Invitae), Labcorp
Classification: Uncertain significance for Pitt-Hopkins-like syndrome 2. Last evaluated: 2025-12-16. Review status: criteria provided, single submitter. Criteria: Invitae Variant Classification Sherloc (09022015). Collection method: clinical testing. Allele origin: germline.
Comment: This sequence change replaces cysteine, which is neutral and slightly polar, with tyrosine, which is neutral and polar, at codon 829 of the NRXN1 protein (p.Cys829Tyr). This variant is not present in population databases (gnomAD no frequency). This variant has not been reported in the literature in individuals affected with NRXN1-related conditions. An algorithm developed to predict the effect of missense changes on protein structure and function (PolyPhen-2) suggests that this variant is likely to be disruptive. In summary, the available evidence is currently insufficient to determine the role of this variant in disease. Therefore, it has been classified as a Variant of Uncertain Significance.

NM_001330078.2(NRXN1):c.2366G>A (p.Cys789Tyr)

Gene: NRXN1 (neurexin 1; minus strand). Cytogenetic location: 2p16.3.
Variant type: single nucleotide variant.
Coding change: c.2366G>A on transcript NM_001330078.2 (MANE Select); coding-DNA position 2366, G replaced by A.
Protein change: p.Cys789Tyr; replaces cysteine 789 with tyrosine.
Molecular consequence: missense variant. On other transcripts: intron variant (7).
Genome position (GRCh38, 1-based): chr2:50,528,633, C>T on the plus strand (G>A on the coding strand, the complement: NRXN1 is on the minus strand). VCF-style: chr2-50528633-C-T. GRCh37 (hg19) VCF-style: chr2-50755771-C-T.
Other names: c.2486G>A, p.Cys829Tyr (NM_001135659.3); c.2342G>A, p.Cys781Tyr (NM_001330077.2, NM_001330082.2); c.2366G>A, p.Cys789Tyr (NM_001330086.2, NM_004801.6); c.2363G>A, p.Cys788Tyr (NM_001330093.2); c.2354G>A, p.Cys785Tyr (NM_001330094.2); c.2263+2594G>A (NM_001330096.2, NM_001330087.2); c.2308+2594G>A (NM_001330083.2, NM_001330084.2); c.2293+2594G>A (NM_001330088.2); and 2 more; short protein forms C789Y, C781Y, C785Y, C788Y, C829Y.
Identifiers: ClinVar variation 4733410 (VCV004733410.1).